The following is an entry in ClinVar:

NM_002351.4(SH2D1A):c.-247G>A

Gene: SH2D1A (SH2 domain containing 1A; plus strand). Cytogenetic location: Xq25.
Variant type: single nucleotide variant.
Coding change: c.-247G>A on transcript NM_002351.4; 247 bases upstream of the start codon, G replaced by A.
Genome position (GRCh38, 1-based): chrX:124,346,396, G>A. VCF-style: chrX-124346396-G-A. GRCh37 (hg19) VCF-style: chrX-123480246-G-A.
Identifiers: ClinVar variation 367868 (VCV000367868.7), dbSNP rs190166840, ClinGen allele CA10654244.
Genomic context (GRCh38, chrX:124,346,396, plus strand): 5'-ATCTTGCAAAATCCTTCTTCCAATGTTCCTCCCCTCTCTGTATGAACCCTGTGTTGGGGG[G>A]CAGAAGATGGAAGCCCTTGGCAAGCTCGATCGAACCAAGCTACTAAATTGCTGAGCTCGT-3'

ClinVar aggregate classification (germline): Benign (1 of 4 stars; one submission).

Conditions:
X-linked lymphoproliferative disease due to SH2D1A deficiency (XLP1). Also called: IMMUNODEFICIENCY 5; IMMUNODEFICIENCY, X-LINKED PROGRESSIVE COMBINED VARIABLE; INFECTIOUS MONONUCLEOSIS, SEVERE, SUSCEPTIBILITY TO; PURTILO SYNDROME; DUNCAN DISEASE; SH2D1A-Related Lymphoproliferative Disease, X-Linked. Identifiers: Orphanet 2442, Orphanet 538931, MedGen C5399825, MONDO:0024551, OMIM 308240.

Allele frequency attached by ClinVar (database versions not stated): 1000 Genomes Project 0.00106; gnomAD 0.00222 and 0.00231; gnomAD exomes 0.00037; TOPMed 0.00270; 1000 Genomes Project 30x 0.00125.

Submission:

Illumina Laboratory Services, Illumina
Classification: Benign for X-linked lymphoproliferative disease due to SH2D1A deficiency. Last evaluated: 2018-01-13. Review status: criteria provided, single submitter. Criteria: ICSL Variant Classification Criteria 13 December 2019. Collection method: clinical testing. Allele origin: germline.
Comment: This variant was observed in the ICSL laboratory as part of a predisposition screen in an ostensibly healthy population. It had not been previously curated by ICSL or reported in the Human Gene Mutation Database (HGMD: prior to June 1st, 2018), and was therefore a candidate for classification through an automated scoring system. Utilizing variant allele frequency, disease prevalence and penetrance estimates, and inheritance mode, an automated score was calculated to assess if this variant is too frequent to cause the disease. Based on the score and internal cut-off values, a variant classified as benign is not then subjected to further curation. The score for this variant resulted in a classification of benign for this disease.